The following is an entry in ClinVar:

ClinVar aggregate classification (germline): Uncertain significance (1 of 4 stars; one submission).

Conditions:
Inborn genetic diseases. Identifiers: MedGen C0950123, MeSH D030342.

Submission:

Ambry Genetics
Classification: Uncertain significance for Inborn genetic diseases. Last evaluated: 2026-06-13. Review status: criteria provided, single submitter. Criteria: Ambry Variant Classification Scheme 2023. Collection method: clinical testing. Allele origin: germline.
Comment: The p.F226L variant (also known as c.676T>C), located in coding exon 8 of the DDX41 gene, results from a T to C substitution at nucleotide position 676. The phenylalanine at codon 226 is replaced by leucine, an amino acid with highly similar properties. This amino acid position is conserved. In addition, the in silico prediction for this alteration is inconclusive. Based on the available evidence, the clinical significance of this variant remains unclear.

NM_016222.4(DDX41):c.676T>C (p.Phe226Leu)

Gene: DDX41 (DEAD-box helicase 41; minus strand). Cytogenetic location: 5q35.3.
Variant type: single nucleotide variant.
Coding change: c.676T>C on transcript NM_016222.4 (MANE Select); coding-DNA position 676, T replaced by C.
Protein change: p.Phe226Leu; replaces phenylalanine 226 with leucine.
Molecular consequence: missense variant.
Genome position (GRCh38, 1-based): chr5:177,515,038, A>G on the plus strand (T>C on the coding strand, the complement: DDX41 is on the minus strand). VCF-style: chr5-177515038-A-G. GRCh37 (hg19) VCF-style: chr5-176942039-A-G.
Other names: c.298T>C, p.Phe100Leu (NM_001321732.2, NM_001321830.2); short protein forms F100L, F226L.
Identifiers: ClinVar variation 4869700 (VCV004869700.1).
Genomic context (GRCh38, chr5:177,515,038, plus strand): 5'-GTTCCAGGCAGAACATGATGACGGGCAACGTGAACACCAGTGTCTTGCCTGAACCCGTGA[A>G]AGCGATGCCTATCATGTCACGGCCAGATAGACTGTTGGGAGAGGATGACCCGAGGGCCAA-3'
Protein context (NP_057306.2, residues 216-236): LSGRDMIGIA[Phe226Leu]TGSGKTLVFT